The following is an entry in ClinVar:

ClinVar aggregate classification (germline): Benign/Likely benign. Review status: criteria provided, multiple submitters, no conflicts (2 of 4 stars). 3 submissions from 3 submitters: Benign (1); Likely benign (1). 1 of the submissions does not count toward it. Last evaluated 2026-01-28.

Conditions:
DMXL2-related disorder. Also called: DMXL2-related condition.

Allele frequency attached by ClinVar (database versions not stated): gnomAD 0.00188 and 0.00201; TOPMed 0.00217; 1000 Genomes Project 0.00220; 1000 Genomes Project 30x 0.00234; ESP Exome Variant Server 0.00293.
gnomAD v4.1: 625 of 1,613,726 alleles (0.039%); highest among the groups gnomAD compares: African/African-American, 0.68%; 3 homozygotes.

Submissions (3):

Labcorp Genetics (formerly Invitae), Labcorp
Classification: Benign. Last evaluated: 2026-01-28. Review status: criteria provided, single submitter. Criteria: Invitae Variant Classification Sherloc (09022015). Collection method: clinical testing. Allele origin: germline.

Blueprint Genetics
Classification: Likely benign. Last evaluated: 2024-06-11. Review status: criteria provided, single submitter. Criteria: ACMG Guidelines, 2015. Collection method: clinical testing. Allele origin: germline.

PreventionGenetics, part of Exact Sciences
Classification: Benign for DMXL2-related condition. Last evaluated: 2021-02-17. Review status: no assertion criteria provided. Collection method: clinical testing. Allele origin: germline. Not counted in ClinVar's aggregate classification.
Comment: This variant is classified as benign based on ACMG/AMP sequence variant interpretation guidelines (Richards et al. 2015 PMID: 25741868, with internal and published modifications).

NM_001378457.1(DMXL2):c.8169C>T (p.Ile2723=)

Gene: DMXL2 (Dmx like 2; minus strand). Cytogenetic location: 15q21.2.
Variant type: single nucleotide variant.
Coding change: c.8169C>T on transcript NM_001378457.1 (MANE Select); coding-DNA position 8169, C replaced by T.
Protein change: p.Ile2723=; no amino-acid change (isoleucine 2723 retained).
Molecular consequence: synonymous variant. On other transcripts: non-coding transcript variant (2).
Genome position (GRCh38, 1-based): chr15:51,458,535, G>A on the plus strand (C>T on the coding strand, the complement: DMXL2 is on the minus strand). VCF-style: chr15-51458535-G-A. GRCh37 (hg19) VCF-style: chr15-51750732-G-A.
Other names: c.8106C>T, p.Ile2702= (NM_001174116.3); c.6195C>T, p.Ile2065= (NM_001174117.3); c.8166C>T, p.Ile2722= (NM_001378458.1); c.7881C>T, p.Ile2627= (NM_001378459.1); c.6084C>T, p.Ile2028= (NM_001378460.1); c.8103C>T, p.Ile2701= (NM_015263.5).
Identifiers: ClinVar variation 790695 (VCV000790695.12), dbSNP rs79159118, ClinGen allele CA7561134.